The following is an entry in ClinVar:

ClinVar aggregate classification (germline): Uncertain significance. Review status: criteria provided, multiple submitters, no conflicts (2 of 4 stars). 2 submissions from 2 submitters: Uncertain significance (2). Last evaluated 2024-03-21.

Allele frequency attached by ClinVar (database versions not stated): ESP Exome Variant Server 0.00008; gnomAD 0.00009; TOPMed 0.00009; gnomAD exomes 0.00016; 1000 Genomes Project 0.00020; 1000 Genomes Project 30x 0.00031; ExAC 0.00040.

Submissions (2):

Mayo Clinic Laboratories, Mayo Clinic
Classification: Uncertain significance. Last evaluated: 2024-03-21. Review status: criteria provided, single submitter. Criteria: ACMG Guidelines, 2015. Collection method: clinical testing. Allele origin: germline. Observed: 1 variant allele.

Labcorp Genetics (formerly Invitae), Labcorp
Classification: Uncertain significance. Last evaluated: 2022-04-28. Review status: criteria provided, single submitter. Criteria: Invitae Variant Classification Sherloc (09022015). Collection method: clinical testing. Allele origin: germline.
Comment: This sequence change replaces arginine, which is basic and polar, with tryptophan, which is neutral and slightly polar, at codon 195 of the SPARC protein (p.Arg195Trp). This variant is present in population databases (rs200777949, gnomAD 0.04%). This variant has not been reported in the literature in individuals affected with SPARC-related conditions. Algorithms developed to predict the effect of missense changes on protein structure and function are either unavailable or do not agree on the potential impact of this missense change (SIFT: "Deleterious"; PolyPhen-2: "Probably Damaging"; Align-GVGD: "Class C0"). Algorithms developed to predict the effect of sequence changes on RNA splicing suggest that this variant may create or strengthen a splice site. In summary, the available evidence is currently insufficient to determine the role of this variant in disease. Therefore, it has been classified as a Variant of Uncertain Significance.

NM_003118.4(SPARC):c.583C>T (p.Arg195Trp)

Gene: SPARC (secreted protein acidic and cysteine rich; minus strand). Cytogenetic location: 5q33.1.
Variant type: single nucleotide variant.
Coding change: c.583C>T on transcript NM_003118.4 (MANE Select); coding-DNA position 583, C replaced by T.
Protein change: p.Arg195Trp; replaces arginine 195 with tryptophan.
Molecular consequence: missense variant.
Genome position (GRCh38, 1-based): chr5:151,667,469, G>A on the plus strand (C>T on the coding strand, the complement: SPARC is on the minus strand). VCF-style: chr5-151667469-G-A. GRCh37 (hg19) VCF-style: chr5-151047030-G-A.
Other names: p.Arg195Trp; c.580C>T, p.Arg194Trp (NM_001309443.2); c.583C>T, p.Arg195Trp (NM_001309444.2); short protein forms R195W, R194W.
Identifiers: ClinVar variation 2043771 (VCV002043771.2), dbSNP rs200777949, ClinGen allele CA3522653.